The following is an entry in ClinVar:

NM_005502.4(ABCA1):c.2903T>C (p.Met968Thr)

Gene: ABCA1 (ATP binding cassette subfamily A member 1; minus strand). Cytogenetic location: 9q31.1.
Variant type: single nucleotide variant.
Coding change: c.2903T>C on transcript NM_005502.4 (MANE Select); coding-DNA position 2903, T replaced by C.
Protein change: p.Met968Thr; replaces methionine 968 with threonine.
Molecular consequence: missense variant.
Genome position (GRCh38, 1-based): chr9:104,821,432, A>G on the plus strand (T>C on the coding strand, the complement: ABCA1 is on the minus strand). VCF-style: chr9-104821432-A-G. GRCh37 (hg19) VCF-style: chr9-107583713-A-G.
Other names: p.Met968Thr; short protein forms M968T.
Identifiers: ClinVar variation 912936 (VCV000912936.11), dbSNP rs776604878, ClinGen allele CA5168615.

ClinVar aggregate classification (germline): Conflicting classifications of pathogenicity. Review status: criteria provided, conflicting classifications (1 of 4 stars). 4 submissions from 3 submitters: Uncertain significance (3); Likely benign (1). Last evaluated 2025-12-16.

Conditions:
Tangier disease (TGD). Also called: HIGH DENSITY LIPOPROTEIN DEFICIENCY, TANGIER TYPE; HIGH DENSITY LIPOPROTEIN DEFICIENCY, TYPE 1; Cholesterol thesaurismosis. Identifiers: Orphanet 31150, MedGen C0039292, MONDO:0008783, OMIM 205400.
Hypoalphalipoproteinemia, primary, 1. Identifiers: Orphanet 425, MedGen C5231558, MONDO:0011393, OMIM 604091.

Allele frequency attached by ClinVar (database versions not stated): ExAC 0.00004; gnomAD exomes 0.00004 and 0.00015; TOPMed 0.00008; gnomAD 0.00009.

Submissions (4):

Labcorp Genetics (formerly Invitae), Labcorp
Classification: Likely benign. Last evaluated: 2025-12-16. Review status: criteria provided, single submitter. Criteria: Invitae Variant Classification Sherloc (09022015). Collection method: clinical testing. Allele origin: germline.

Mayo Clinic Laboratories, Mayo Clinic
Classification: Uncertain significance. Last evaluated: 2025-10-14. Review status: criteria provided, single submitter. Criteria: ACMG Guidelines, 2015. Collection method: clinical testing. Allele origin: germline. Observed: 2 variant alleles.
Comment: PP3, PM2_moderate

Illumina Laboratory Services, Illumina
Classification: Uncertain significance for Tangier disease. Last evaluated: 2017-04-27. Review status: criteria provided, single submitter. Criteria: ICSL Variant Classification Criteria 13 December 2019. Collection method: clinical testing. Allele origin: germline.

Illumina Laboratory Services, Illumina
Classification: Uncertain significance for Hypoalphalipoproteinemia, primary, 1. Last evaluated: 2017-04-27. Review status: criteria provided, single submitter. Criteria: ICSL Variant Classification Criteria 13 December 2019. Collection method: clinical testing. Allele origin: germline.
Comment: This variant was observed as part of a predisposition screen in an ostensibly healthy population. A literature search was performed for the gene, cDNA change, and amino acid change (where applicable). Publications were found based on this search. However, the evidence from the literature, in combination with allele frequency data from public databases where available, was not sufficient to rule this variant in or out of causing disease. Therefore, this variant is classified as a variant of unknown significance.

Literature cited by the submitters: PubMed 21875686 (cited by Mayo Clinic Laboratories, Mayo Clinic and Illumina Laboratory Services, Illumina); PubMed 36879129 (cited by Mayo Clinic Laboratories, Mayo Clinic).